The following is an entry in ClinVar:

ClinVar aggregate classification (germline): Likely benign (1 of 4 stars; one submission).

Conditions:
Malignant hyperthermia, susceptibility to, 5 (MHS5). Also called: CACNA1S-Related Malignant Hyperthermia Susceptibility. Identifiers: Orphanet 423, MedGen C1866077, MONDO:0011163, OMIM 601887.

Submission:

All of Us Research Program, National Institutes of Health
Classification: Likely benign for Malignant hyperthermia, susceptibility to, 5. Last evaluated: 2023-05-04. Review status: criteria provided, single submitter. Criteria: ACMG Guidelines, 2015. Collection method: clinical testing. Allele origin: germline. Inheritance: Autosomal dominant inheritance. Observed: 1 variant allele, 1 heterozygote.
Comment: This study involves interpretation of variants in research participants for the purpose of population health screening. Participant phenotype was not available at the time of variant classification. Additional details can be found in publication PMID: 35346344, PMCID: PMC8962531

NM_000069.3(CACNA1S):c.5136A>C (p.Gly1712=)

Gene: CACNA1S (calcium voltage-gated channel subunit alpha1 S; minus strand). Cytogenetic location: 1q32.1.
Variant type: single nucleotide variant.
Coding change: c.5136A>C on transcript NM_000069.3 (MANE Select); coding-DNA position 5136, A replaced by C.
Protein change: p.Gly1712=; no amino-acid change (glycine 1712 retained).
Molecular consequence: synonymous variant.
Genome position (GRCh38, 1-based): chr1:201,040,712, T>G on the plus strand (A>C on the coding strand, the complement: CACNA1S is on the minus strand). VCF-style: chr1-201040712-T-G. GRCh37 (hg19) VCF-style: chr1-201009840-T-G.
Identifiers: ClinVar variation 3070805 (VCV003070805.1), dbSNP rs1558048979, ClinGen allele CA422714649.
Genomic context (GRCh38, chr1:201,040,712, plus strand): 5'-GGGCATTGCCCTCTGGGTCAGCAGTCCCTTCAGCATCTCCACACAGGGTTTGCTGTGGGG[T>G]CCTGTATGCAAGAAGGGGCAAGGATAAGAGGGGCTGCTGACTCCTGCCAGGAGCCCTGAG-3'
Protein context (NP_000060.2, residues 1702-1722): RALGQPCRVL[Gly1712=]PHSKPCVEML